The following is an entry in ClinVar:

ClinVar aggregate classification (germline): Uncertain significance (1 of 4 stars; one submission).

Conditions:
CPE-related disorder. Also called: CPE-related condition.

gnomAD v4.1: 3 of 1,614,088 alleles (0.00019%); highest among the groups gnomAD compares: Admixed American, 0.005%; no homozygotes.

Submission:

PreventionGenetics, part of Exact Sciences
Classification: Uncertain significance for CPE-related condition. Last evaluated: 2025-11-30. Review status: criteria provided, single submitter. Criteria: ACMG Guidelines, 2015. Collection method: clinical testing. Allele origin: germline.
Comment: The CPE c.1054G>A variant is predicted to result in the amino acid substitution p.Glu352Lys. To our knowledge, this variant has not been reported in the literature. This variant is reported in 0.0087% of alleles in individuals of Latino descent in gnomAD. At this time, the clinical significance of this variant is uncertain due to the absence of conclusive functional and genetic evidence.

NM_001873.4(CPE):c.1054G>A (p.Glu352Lys)

Gene: CPE (carboxypeptidase E; plus strand). Cytogenetic location: 4q32.3.
Variant type: single nucleotide variant.
Coding change: c.1054G>A on transcript NM_001873.4 (MANE Select); coding-DNA position 1054, G replaced by A.
Protein change: p.Glu352Lys; replaces glutamic acid 352 with lysine.
Molecular consequence: missense variant.
Genome position (GRCh38, 1-based): chr4:165,487,518, G>A. VCF-style: chr4-165487518-G-A. GRCh37 (hg19) VCF-style: chr4-166408670-G-A.
Other names: short protein forms E352K.
Identifiers: ClinVar variation 4988335 (VCV004988335.1).
Genomic context (GRCh38, chr4:165,487,518, plus strand): 5'-CTTAGCAGCAACTGTTTTGAGATCACCGTGGAGCTTAGCTGTGAGAAGTTCCCACCTGAA[G>A]AGACTCTGAAGACCTACTGGGAGGATAACAAAAACTCCCTCATTAGCTACCTTGAGCAGG-3'
Protein context (NP_001864.1, residues 342-362): ELSCEKFPPE[Glu352Lys]TLKTYWEDNK